The following is an entry in ClinVar:

ClinVar aggregate classification (germline): Uncertain significance (1 of 4 stars; one submission).

Submission:

GeneDx
Classification: Uncertain significance. Last evaluated: 2019-12-20. Review status: criteria provided, single submitter. Criteria: GeneDx Variant Classification Process June 2021. Collection method: clinical testing. Allele origin: germline. Affected: yes.
Comment: Not observed in large population cohorts (Lek et al., 2016); Initiation codon variant in a gene for which loss-of-function is not a known mechanism of disease; Has not been previously published as pathogenic or benign to our knowledge

NM_004807.3(HS6ST1):c.1A>G (p.Met1Val)

Gene: HS6ST1 (heparan sulfate 6-O-sulfotransferase 1; minus strand). Cytogenetic location: 2q14.3.
Variant type: single nucleotide variant.
Coding change: c.1A>G on transcript NM_004807.3 (MANE Select); coding-DNA position 1, A replaced by G.
Protein change: p.Met1Val; changes the start codon (methionine 1).
Molecular consequence: missense variant, initiator codon variant.
Genome position (GRCh38, 1-based): chr2:128,318,563, T>C on the plus strand (A>G on the coding strand, the complement: HS6ST1 is on the minus strand). VCF-style: chr2-128318563-T-C. GRCh37 (hg19) VCF-style: chr2-129076137-T-C.
Other names: short protein forms M1V.
Identifiers: ClinVar variation 1311414 (VCV001311414.3), dbSNP rs2104941942, ClinGen allele CA348617766.